The following is an entry in ClinVar:

ClinVar aggregate classification (germline): Pathogenic (1 of 4 stars; one submission).

Conditions:
3-methylcrotonyl-CoA carboxylase 2 deficiency. Also called: METHYLCROTONYLGLYCINURIA, TYPE II; 3 alpha methylcrotonyl-CoA carboxylase 2 deficiency; 3 alpha methylcrotonylglycinuria 2; MCC 2 deficiency; Methylcrotonylglycinuria type 2. Identifiers: Orphanet 6, MedGen C1859499, MONDO:0008862, OMIM 210210.

Submission:

Labcorp Genetics (formerly Invitae), Labcorp
Classification: Pathogenic for 3-methylcrotonyl-CoA carboxylase 2 deficiency. Last evaluated: 2024-04-10. Review status: criteria provided, single submitter. Criteria: Invitae Variant Classification Sherloc (09022015). Collection method: clinical testing. Allele origin: germline.
Comment: This sequence change affects an acceptor splice site in intron 12 of the MCCC2 gene. It is expected to disrupt RNA splicing. Variants that disrupt the donor or acceptor splice site typically lead to a loss of protein function (PMID: 16199547), and loss-of-function variants in MCCC2 are known to be pathogenic (PMID: 11181649, 22642865). This variant is not present in population databases (gnomAD no frequency). Disruption of this splice site has been observed in individual(s) with 3 methylcrotonyl-CoA carboxylase deficiency (PMID: 29767664). In at least one individual the data is consistent with being in trans (on the opposite chromosome) from a pathogenic variant. Algorithms developed to predict the effect of sequence changes on RNA splicing suggest that this variant may disrupt the consensus splice site. For these reasons, this variant has been classified as Pathogenic.

Literature cited by the submitters: PubMed 16199547; PubMed 11181649; PubMed 22642865; PubMed 29767664.

NM_022132.5(MCCC2):c.1150-1G>C

Gene: MCCC2 (methylcrotonyl-CoA carboxylase subunit 2; plus strand). Cytogenetic location: 5q13.2.
Variant type: single nucleotide variant.
Coding change: c.1150-1G>C on transcript NM_022132.5 (MANE Select); the canonical splice acceptor site of the intron before coding-DNA position 1150, G replaced by C.
Molecular consequence: splice acceptor variant.
Genome position (GRCh38, 1-based): chr5:71,646,210, G>C. VCF-style: chr5-71646210-G-C. GRCh37 (hg19) VCF-style: chr5-70942037-G-C.
Other names: c.1036-1G>C (NM_001363147.1).
Identifiers: ClinVar variation 3649472 (VCV003649472.2).